The following is an entry in ClinVar:

ClinVar aggregate classification (germline): Uncertain significance (1 of 4 stars; one submission).

Conditions:
X-linked distal spinal muscular atrophy type 3. Also called: SPINAL MUSCULAR ATROPHY, DISTAL, X-LINKED RECESSIVE; NEURONOPATHY, DISTAL HEREDITARY MOTOR, X-LINKED; NEUROPATHY, DISTAL HEREDITARY MOTOR, X-LINKED; ATP7A-Related Distal Motor Neuropathy. Identifiers: Orphanet 139557, MedGen C1845359, MONDO:0010338, OMIM 300489.
Menkes kinky-hair syndrome (MNK). Also called: Copper transport disease; Classic Menkes Disease; Menkes Disease. Identifiers: Orphanet 565, MedGen C0022716, MONDO:0010651, OMIM 309400.
Cutis laxa, X-linked (OHS). Also called: EDS IX; Occipital horn syndrome. Identifiers: Orphanet 198, MedGen C0268353, MONDO:0010572, OMIM 304150.

Allele frequency attached by ClinVar (database versions not stated): gnomAD 0.00001.
gnomAD v4.1: 1 of 1,209,692 alleles (0.000083%); highest among the groups gnomAD compares: Admixed American, 0.0022%; no homozygotes.

Submission:

Labcorp Genetics (formerly Invitae), Labcorp
Classification: Uncertain significance for X-linked distal spinal muscular atrophy type 3; Cutis laxa, X-linked; Menkes kinky-hair syndrome. Last evaluated: 2022-10-04. Review status: criteria provided, single submitter. Criteria: Invitae Variant Classification Sherloc (09022015). Collection method: clinical testing. Allele origin: germline.
Comment: This variant has not been reported in the literature in individuals affected with ATP7A-related conditions. In summary, the available evidence is currently insufficient to determine the role of this variant in disease. Therefore, it has been classified as a Variant of Uncertain Significance. Advanced modeling of protein sequence and biophysical properties (such as structural, functional, and spatial information, amino acid conservation, physicochemical variation, residue mobility, and thermodynamic stability) performed at Invitae indicates that this missense variant is not expected to disrupt ATP7A protein function. This variant is not present in population databases (gnomAD no frequency). This sequence change replaces lysine, which is basic and polar, with arginine, which is basic and polar, at codon 1429 of the ATP7A protein (p.Lys1429Arg).

NM_000052.7(ATP7A):c.4286A>G (p.Lys1429Arg)

Gene: ATP7A (ATPase copper transporting alpha; plus strand). Cytogenetic location: Xq21.1.
Variant type: single nucleotide variant.
Coding change: c.4286A>G on transcript NM_000052.7 (MANE Select); coding-DNA position 4286, A replaced by G.
Protein change: p.Lys1429Arg; replaces lysine 1429 with arginine.
Molecular consequence: missense variant. On other transcripts: non-coding transcript variant (1).
Genome position (GRCh38, 1-based): chrX:78,046,353, A>G. VCF-style: chrX-78046353-A-G. GRCh37 (hg19) VCF-style: chrX-77301850-A-G.
Other names: c.4052A>G, p.Lys1351Arg (NM_001282224.2); short protein forms K1351R, K1429R.
Identifiers: ClinVar variation 1720935 (VCV001720935.6), dbSNP rs2078083449, ClinGen allele CA413606090.